The following is an entry in ClinVar:

NM_000540.3(RYR1):c.9232A>C (p.Arg3078=)

Gene: RYR1 (ryanodine receptor 1; plus strand). Cytogenetic location: 19q13.2.
Variant type: single nucleotide variant.
Coding change: c.9232A>C on transcript NM_000540.3 (MANE Select); coding-DNA position 9232, A replaced by C.
Protein change: p.Arg3078=; no amino-acid change (arginine 3078 retained).
Molecular consequence: synonymous variant.
Genome position (GRCh38, 1-based): chr19:38,512,131, A>C. VCF-style: chr19-38512131-A-C. GRCh37 (hg19) VCF-style: chr19-39002771-A-C.
Other names: c.9232A>C, p.Arg3078= (NM_001042723.2).
Identifiers: ClinVar variation 3385498 (VCV003385498.1).

ClinVar aggregate classification (germline): Uncertain significance (1 of 4 stars; one submission).

Conditions:
Malignant hyperthermia, susceptibility to, 1 (MHS1). Also called: Anesthesia related hyperthermia; Malignant hyperpyrexia; Fulminating hyperpyrexia; Pharmacogenic myopathy; Malignant hyperthermia suceptibility 1; RYR1-Related Malignant Hyperthermia Susceptibility. Identifiers: Orphanet 423, MedGen C2930980, MONDO:0007783, OMIM 145600.

gnomAD v4.1: 2 of 1,614,068 alleles (0.00012%); highest among the groups gnomAD compares: African/African-American, 0.0027%; no homozygotes.

Submission:

All of Us Research Program, National Institutes of Health
Classification: Uncertain significance for Malignant hyperthermia, susceptibility to, 1. Last evaluated: 2024-05-30. Review status: criteria provided, single submitter. Criteria: ACMG Guidelines, 2015. Collection method: clinical testing. Allele origin: germline. Inheritance: Autosomal dominant inheritance. Observed: 1 variant allele, 1 heterozygote.
Comment: This variant is located in the RYR1 protein. To our knowledge, functional studies have not been reported for this variant. This variant has not been reported in individuals affected with RYR1-related disorders in the literature. This variant has been identified in 1/251386 chromosomes in the general population by the Genome Aggregation Database (gnomAD). The available evidence is insufficient to determine the role of this variant in disease conclusively. Therefore, this variant is classified as a Variant of Uncertain Significance.

This study involves interpretation of variants in research participants for the purpose of population health screening. Participant phenotype was not available at the time of variant classification. Additional details can be found in publication PMID: 35346344, PMCID: PMC8962531